The following is an entry in ClinVar:

ClinVar aggregate classification (germline): Benign (0 of 4 stars; one submission).

Conditions:
DNAH2-related disorder. Also called: DNAH2-related condition.

Allele frequency attached by ClinVar (database versions not stated): ESP Exome Variant Server 0.00131; 1000 Genomes Project 30x 0.00312; 1000 Genomes Project 0.00319.
gnomAD v4.1: 4,643 of 1,614,094 alleles (0.29%); highest among the groups gnomAD compares: South Asian, 1.9%; 37 homozygotes.

Submission:

PreventionGenetics, part of Exact Sciences
Classification: Benign for DNAH2-related condition. Last evaluated: 2019-04-24. Review status: no assertion criteria provided. Collection method: clinical testing. Allele origin: germline.
Comment: This variant is classified as benign based on ACMG/AMP sequence variant interpretation guidelines (Richards et al. 2015 PMID: 25741868, with internal and published modifications).

NM_020877.5(DNAH2):c.3809G>A (p.Arg1270His)

Gene: DNAH2 (dynein axonemal heavy chain 2; plus strand). Cytogenetic location: 17p13.1.
Variant type: single nucleotide variant.
Coding change: c.3809G>A on transcript NM_020877.5 (MANE Select); coding-DNA position 3809, G replaced by A.
Protein change: p.Arg1270His; replaces arginine 1270 with histidine.
Molecular consequence: missense variant.
Genome position (GRCh38, 1-based): chr17:7,768,033, G>A. VCF-style: chr17-7768033-G-A. GRCh37 (hg19) VCF-style: chr17-7671351-G-A.
Other names: short protein forms R1270H.
Identifiers: ClinVar variation 3042836 (VCV003042836.2), dbSNP rs141149043, ClinGen allele CA8356905.